The following is an entry in ClinVar:

NM_002474.3(MYH11):c.3035C>G (p.Thr1012Arg)

Gene: MYH11 (myosin heavy chain 11; minus strand). Cytogenetic location: 16p13.11.
Variant type: single nucleotide variant.
Coding change: c.3035C>G on transcript NM_002474.3 (MANE Select); coding-DNA position 3035, C replaced by G.
Protein change: p.Thr1012Arg; replaces threonine 1012 with arginine.
Molecular consequence: missense variant.
Genome position (GRCh38, 1-based): chr16:15,738,651, G>C on the plus strand (C>G on the coding strand, the complement: MYH11 is on the minus strand). VCF-style: chr16-15738651-G-C. GRCh37 (hg19) VCF-style: chr16-15832508-G-C.
Other names: c.3056C>G, p.Thr1019Arg (NM_001040113.2, NM_001040114.2); c.3035C>G, p.Thr1012Arg (NM_022844.3); short protein forms T1012R, T1019R.
Identifiers: ClinVar variation 3876308 (VCV003876308.2).

ClinVar aggregate classification (germline): Uncertain significance. Review status: criteria provided, multiple submitters, no conflicts (2 of 4 stars). 2 submissions from 2 submitters: Uncertain significance (2). Last evaluated 2026-01-24.

Conditions:
Familial thoracic aortic aneurysm and aortic dissection (TAAD). Also called: Thoracic aortic aneurysms and dissections. Identifiers: Orphanet 91387, MedGen C4707243, MONDO:0019625.
Aortic aneurysm, familial thoracic 4 (AAT4). Also called: AORTIC ANEURYSM/AORTIC DISSECTION AND PATENT DUCTUS ARTERIOSUS. Identifiers: MedGen C1851504, MONDO:0007568, OMIM 132900.

gnomAD v4.1: 1 of 1,613,810 alleles (0.000062%); no homozygotes.

Submissions (2):

Labcorp Genetics (formerly Invitae), Labcorp
Classification: Uncertain significance for Aortic aneurysm, familial thoracic 4. Last evaluated: 2026-01-24. Review status: criteria provided, single submitter. Criteria: Invitae Variant Classification Sherloc (09022015). Collection method: clinical testing. Allele origin: germline.
Comment: This sequence change replaces threonine, which is neutral and polar, with arginine, which is basic and polar, at codon 1019 of the MYH11 protein (p.Thr1019Arg). This variant is not present in population databases (gnomAD no frequency). This variant has not been reported in the literature in individuals affected with MYH11-related conditions. ClinVar contains an entry for this variant (Variation ID: 3876308). Invitae Evidence Modeling of protein sequence and biophysical properties (such as structural, functional, and spatial information, amino acid conservation, physicochemical variation, residue mobility, and thermodynamic stability) indicates that this missense variant is not expected to disrupt MYH11 protein function with a negative predictive value of 95%. In summary, the available evidence is currently insufficient to determine the role of this variant in disease. Therefore, it has been classified as a Variant of Uncertain Significance.

Ambry Genetics
Classification: Uncertain significance for Familial thoracic aortic aneurysm and aortic dissection. Last evaluated: 2024-12-12. Review status: criteria provided, single submitter. Criteria: Ambry Variant Classification Scheme 2023. Collection method: clinical testing. Allele origin: germline.